The following is an entry in ClinVar:

ClinVar aggregate classification (germline): Uncertain significance. Review status: criteria provided, multiple submitters, no conflicts (2 of 4 stars). 3 submissions from 3 submitters: Uncertain significance (3). Last evaluated 2022-09-29.

Conditions:
Progressive myoclonic epilepsy. Also called: Myoclonus epilepsy; Progressive myoclonus epilepsy; Myoclonic Epilepsies, Progressive; Familial progressive myoclonic epilepsy. Identifiers: Orphanet 308, Orphanet 98261, MedGen C0751778, MONDO:0020074.
Action myoclonus-renal failure syndrome. Also called: SCARB2-Related Action Myoclonus-Renal Failure Syndrome; EPILEPSY, PROGRESSIVE MYOCLONIC, 4, WITH RENAL FAILURE; EPILEPSY, PROGRESSIVE MYOCLONIC, 4, WITHOUT RENAL FAILURE; MYOCLONUS-NEPHROPATHY SYNDROME. Identifiers: Orphanet 163696, MedGen C0751779, MeSH D020191, MONDO:0009699, OMIM 254900.

Allele frequency attached by ClinVar (database versions not stated): TOPMed 0.00003; ExAC 0.00005.
gnomAD v4.1: 20 of 1,614,170 alleles (0.0012%); highest among the groups gnomAD compares: Admixed American, 0.013%; no homozygotes.

Submissions (3):

Mayo Clinic Laboratories, Mayo Clinic
Classification: Uncertain significance. Last evaluated: 2022-09-29. Review status: criteria provided, single submitter. Criteria: ACMG Guidelines, 2015. Collection method: clinical testing. Allele origin: germline. Observed: 1 variant allele.
Comment: PM2

Labcorp Genetics (formerly Invitae), Labcorp
Classification: Uncertain significance for Progressive myoclonic epilepsy. Last evaluated: 2021-12-03. Review status: criteria provided, single submitter. Criteria: Invitae Variant Classification Sherloc (09022015). Collection method: clinical testing. Allele origin: germline.
Comment: This sequence change replaces glutamic acid, which is acidic and polar, with valine, which is neutral and non-polar, at codon 471 of the SCARB2 protein (p.Glu471Val). This variant is present in population databases (rs755903502, gnomAD 0.02%). This variant has not been reported in the literature in individuals affected with SCARB2-related conditions. ClinVar contains an entry for this variant (Variation ID: 582195). Algorithms developed to predict the effect of missense changes on protein structure and function (SIFT, PolyPhen-2, Align-GVGD) all suggest that this variant is likely to be tolerated. Algorithms developed to predict the effect of sequence changes on RNA splicing suggest that this variant may create or strengthen a splice site. In summary, the available evidence is currently insufficient to determine the role of this variant in disease. Therefore, it has been classified as a Variant of Uncertain Significance.

Fulgent Genetics
Classification: Uncertain significance for Action myoclonus-renal failure syndrome. Last evaluated: 2021-10-27. Review status: criteria provided, single submitter. Criteria: ACMG Guidelines, 2015. Collection method: clinical testing. Allele origin: unknown.

NM_005506.4(SCARB2):c.1412A>T (p.Glu471Val)

Gene: SCARB2 (scavenger receptor class B member 2; minus strand). Cytogenetic location: 4q21.1.
Variant type: single nucleotide variant.
Coding change: c.1412A>T on transcript NM_005506.4 (MANE Select); coding-DNA position 1412, A replaced by T.
Protein change: p.Glu471Val; replaces glutamic acid 471 with valine.
Molecular consequence: missense variant.
Genome position (GRCh38, 1-based): chr4:76,161,738, T>A on the plus strand (A>T on the coding strand, the complement: SCARB2 is on the minus strand). VCF-style: chr4-76161738-T-A. GRCh37 (hg19) VCF-style: chr4-77082891-T-A.
Other names: p.Glu471Val; c.983A>T, p.Glu328Val (NM_001204255.2); short protein forms E471V, E328V.
Identifiers: ClinVar variation 582195 (VCV000582195.7), dbSNP rs755903502, ClinGen allele CA2970084.